The following is an entry in ClinVar:

ClinVar aggregate classification (germline): Uncertain significance (1 of 4 stars; one submission).

Submission:

Labcorp Genetics (formerly Invitae), Labcorp
Classification: Uncertain significance. Last evaluated: 2022-05-07. Review status: criteria provided, single submitter. Criteria: Invitae Variant Classification Sherloc (09022015). Collection method: clinical testing. Allele origin: germline.
Comment: In summary, the available evidence is currently insufficient to determine the role of this variant in disease. Therefore, it has been classified as a Variant of Uncertain Significance. Advanced modeling of protein sequence and biophysical properties (such as structural, functional, and spatial information, amino acid conservation, physicochemical variation, residue mobility, and thermodynamic stability) performed at Invitae indicates that this missense variant is not expected to disrupt AGT protein function. This variant has not been reported in the literature in individuals affected with AGT-related conditions. This variant is not present in population databases (gnomAD no frequency). This sequence change replaces serine, which is neutral and polar, with cysteine, which is neutral and slightly polar, at codon 77 of the AGT protein (p.Ser77Cys).

NM_001384479.1(AGT):c.203C>G (p.Ser68Cys)

Gene: AGT (angiotensinogen; minus strand). Cytogenetic location: 1q42.2.
Variant type: single nucleotide variant.
Coding change: c.203C>G on transcript NM_001384479.1 (MANE Select); coding-DNA position 203, C replaced by G.
Protein change: p.Ser68Cys; replaces serine 68 with cysteine.
Molecular consequence: missense variant.
Genome position (GRCh38, 1-based): chr1:230,710,621, G>C on the plus strand (C>G on the coding strand, the complement: AGT is on the minus strand). VCF-style: chr1-230710621-G-C. GRCh37 (hg19) VCF-style: chr1-230846367-G-C.
Other names: c.203C>G, p.Ser68Cys (NM_001382817.3); short protein forms S68C.
Identifiers: ClinVar variation 2135150 (VCV002135150.4), dbSNP rs753775475, ClinGen allele CA345207403.